The following is an entry in ClinVar:

NM_001814.6(CTSC):c.173-2A>C

Gene: CTSC (cathepsin C; minus strand). Cytogenetic location: 11q14.2.
Variant type: single nucleotide variant.
Coding change: c.173-2A>C on transcript NM_001814.6 (MANE Select); the canonical splice acceptor site of the intron before coding-DNA position 173, A replaced by C.
Molecular consequence: splice acceptor variant.
Genome position (GRCh38, 1-based): chr11:88,335,084, T>G on the plus strand (A>C on the coding strand, the complement: CTSC is on the minus strand). VCF-style: chr11-88335084-T-G. GRCh37 (hg19) VCF-style: chr11-88068252-T-G.
Other names: c.173-2A>C (NM_001114173.3, NM_148170.5).
Identifiers: ClinVar variation 2932753 (VCV002932753.3), dbSNP rs866021264, ClinGen allele CA382030119.

ClinVar aggregate classification (germline): Likely pathogenic (1 of 4 stars; one submission).

Conditions:
Periodontitis, aggressive. Identifiers: MedGen C0031106, MONDO:0980757.
Papillon-Lefèvre syndrome (PALS). Also called: KERATOSIS PALMOPLANTARIS WITH PERIODONTOPATHIA; Papillon-Lefevre Disease. Identifiers: Orphanet 678, MedGen C0030360, MONDO:0009490, OMIM 245000.
Haim-Munk syndrome (HMS). Also called: COCHIN JEWISH DISORDER; KERATOSIS PALMOPLANTARIS WITH PERIODONTOPATHIA AND ONYCHOGRYPOSIS. Identifiers: Orphanet 2342, MedGen C1855627, MONDO:0009491, OMIM 245010.

gnomAD v4.1: 8 of 1,525,134 alleles (0.00052%); highest among the groups gnomAD compares: Non-Finnish European, 0.00071%; no homozygotes.

Submission:

Labcorp Genetics (formerly Invitae), Labcorp
Classification: Likely pathogenic for Haim-Munk syndrome; Periodontitis, aggressive; Papillon-Lefèvre syndrome. Last evaluated: 2024-08-14. Review status: criteria provided, single submitter. Criteria: Invitae Variant Classification Sherloc (09022015). Collection method: clinical testing. Allele origin: germline.
Comment: This sequence change affects an acceptor splice site in intron 1 of the CTSC gene. It is expected to disrupt RNA splicing. Variants that disrupt the donor or acceptor splice site typically lead to a loss of protein function (PMID: 16199547), and loss-of-function variants in CTSC are known to be pathogenic (PMID: 10662808, 11106356, 11886537). This variant is not present in population databases (gnomAD no frequency). This variant has not been reported in the literature in individuals affected with CTSC-related conditions. Algorithms developed to predict the effect of sequence changes on RNA splicing suggest that this variant may disrupt the consensus splice site. In summary, the currently available evidence indicates that the variant is pathogenic, but additional data are needed to prove that conclusively. Therefore, this variant has been classified as Likely Pathogenic.

Literature cited by the submitters: PubMed 16199547; PubMed 10662808; PubMed 11106356; PubMed 11886537.